The following is an entry in ClinVar:

NM_000129.4(F13A1):c.1954G>C (p.Glu652Gln)

Gene: F13A1 (coagulation factor XIII A chain; minus strand). Cytogenetic location: 6p25.1.
Variant type: single nucleotide variant.
Coding change: c.1954G>C on transcript NM_000129.4 (MANE Select); coding-DNA position 1954, G replaced by C.
Protein change: p.Glu652Gln; replaces glutamic acid 652 with glutamine.
Molecular consequence: missense variant.
Genome position (GRCh38, 1-based): chr6:6,151,904, C>G on the plus strand (G>C on the coding strand, the complement: F13A1 is on the minus strand). VCF-style: chr6-6151904-C-G. GRCh37 (hg19) VCF-style: chr6-6152137-C-G.
Other names: p.Glu652Gln; short protein forms E652Q.
Identifiers: ClinVar variation 255186 (VCV000255186.10), dbSNP rs5988, ClinGen allele CA3624181.

ClinVar aggregate classification (germline): Benign/Likely benign. Review status: criteria provided, multiple submitters, no conflicts (2 of 4 stars). 6 submissions from 6 submitters: Benign (5); Likely benign (1). Last evaluated 2026-05-11.

Conditions:
Factor XIII, A subunit, deficiency of. Also called: Factor XIII subunit A deficiency. Identifiers: Orphanet 331, MedGen C2750514, MONDO:0013187, OMIM 613225, HP:0040233.

Allele frequency attached by ClinVar (database versions not stated): gnomAD exomes 0.22369 and 0.20928; ExAC 0.20870; gnomAD 0.21408 and 0.21467; ESP Exome Variant Server 0.22174; 1000 Genomes Project 0.19389; TOPMed 0.21217; 1000 Genomes Project 30x 0.19816.
gnomAD v4.1: 359,178 of 1,613,450 alleles (22%); highest among the groups gnomAD compares: Middle Eastern, 30%; 40,803 homozygotes.

Submissions (6):

Women's Health and Genetics/Laboratory Corporation of America, LabCorp
Classification: Likely benign. Last evaluated: 2026-05-11. Review status: criteria provided, single submitter. Criteria: LabCorp Variant Classification Summary - May 2015. Collection method: clinical testing. Allele origin: germline.

Mayo Clinic Laboratories, Mayo Clinic
Classification: Benign. Last evaluated: 2023-08-29. Review status: criteria provided, single submitter. Criteria: ACMG Guidelines, 2015. Collection method: clinical testing. Allele origin: germline. Observed: 81 variant alleles.
Comment: BA1, BS2, BP4

Genome-Nilou Lab
Classification: Benign for Factor XIII, A subunit, deficiency of. Last evaluated: 2021-08-10. Review status: criteria provided, single submitter. Criteria: ACMG Guidelines, 2015. Collection method: clinical testing. Allele origin: germline. Affected: no.

GeneDx
Classification: Benign. Last evaluated: 2018-11-11. Review status: criteria provided, single submitter. Criteria: GeneDx Variant Classification Process June 2021. Collection method: clinical testing. Allele origin: germline. Affected: yes.

Illumina Laboratory Services, Illumina
Classification: Benign for Factor XIII, A subunit, deficiency of. Last evaluated: 2018-01-12. Review status: criteria provided, single submitter. Criteria: ICSL Variant Classification Criteria 13 December 2019. Collection method: clinical testing. Allele origin: germline.
Comment: This variant was observed in the ICSL laboratory as part of a predisposition screen in an ostensibly healthy population. It had not been previously curated by ICSL or reported in the Human Gene Mutation Database (HGMD: prior to June 1st, 2018), and was therefore a candidate for classification through an automated scoring system. Utilizing variant allele frequency, disease prevalence and penetrance estimates, and inheritance mode, an automated score was calculated to assess if this variant is too frequent to cause the disease. Based on the score and internal cut-off values, a variant classified as benign is not then subjected to further curation. The score for this variant resulted in a classification of benign for this disease.

PreventionGenetics, part of Exact Sciences
Classification: Benign. Review status: criteria provided, single submitter. Criteria: ACMG Guidelines, 2015. Collection method: clinical testing. Allele origin: germline.